The following is an entry in ClinVar:

NM_198123.2(CSMD3):c.8603del (p.Pro2868fs)

Gene: CSMD3 (CUB and Sushi multiple domains 3; minus strand). Cytogenetic location: 8q23.3.
Variant type: Deletion.
Coding change: c.8603del on transcript NM_198123.2 (MANE Select); coding-DNA position 8603, one base deleted (C; older notation c.8603delC).
Protein change: p.Pro2868fs; shifts the reading frame from proline 2868.
Molecular consequence: frameshift variant.
Genome position (GRCh38, 1-based): chr8:112,295,844, G deleted on the plus strand (C on the coding strand, the reverse complement: CSMD3 is on the minus strand); the first of 3 consecutive G bases (chr8:112,295,844-112,295,846); deleting any one gives the same sequence. VCF-style (leftmost placement, unchanged base first): chr8-112295843-TG-T. GRCh37 (hg19) VCF-style: chr8-113308072-TG-T.
Other names: c.8003del, p.Pro2668fs (NM_001363185.1); c.8096del, p.Pro2699fs (NM_052900.3); c.8483del, p.Pro2828fs (NM_198124.2); short protein forms P2668fs, P2699fs, P2828fs, P2868fs.
Identifiers: ClinVar variation 4884502 (VCV004884502.1).
Genomic context (GRCh38, chr8:112,295,843, plus strand): 5'-ATTATTCCAAAGATCAGAGGTCTCTAATTGCTTTTGCCATGCTTACTTACGCACACAGGA[TG>T]GGAGCTGACCAGACCAATTGTGATCCTGTTGACATATCCTCACTGAAGAACCAATCAATC-3'

ClinVar aggregate classification (germline): Uncertain significance (1 of 4 stars; one submission).

Submission:

Diagnostics Services (NGS), CSIR - Centre For Cellular And Molecular Biology
Classification: Uncertain significance. Last evaluated: 2026-07-29. Review status: criteria provided, single submitter. Criteria: ACMG Guidelines, 2015. Collection method: clinical testing. Allele origin: germline. Observed: 1 variant allele, 1 heterozygote.
Comment: The c.8603del variant is not present in publicly available population databases like 1000 Genomes, EVS, gnomAD, Indian Exome Database or our internal database. This variant has not been published in the literature for CSMD3-related conditions nor reported to clinical databases like Human Genome Mutation Databases (HGMD), ClinVar or OMIM, in any affected individuals. In-silico pathogenicity prediction programs like MutationTaster2021, CADD, Franklin, Varsome etc., predicted this variant to be likely deleterious. This variant causes frameshift at the 2868th amino acid position of the wild-type transcript which creates a premature translational stop signal at the altered transcript that may either result in translation of a truncated protein or cause nonsense mediated decay of the mRNA.

Literature cited by the submitters: PubMed 35245678; PubMed 37037606.